The following continues an entry in ClinVar:

NM_005159.5(ACTC1):c.301G>A (p.Glu101Lys)

ClinVar aggregate classification (germline): Pathogenic. Pathogenic (1).

Submissions 7 to 15 of 24:

ARUP Laboratories, Molecular Genetics and Genomics, ARUP Laboratories
Classification: Pathogenic. Last evaluated: 2025-04-28. Review status: criteria provided, single submitter. Criteria: ARUP Molecular Germline Variant Investigation Process 2024. Collection method: clinical testing. Allele origin: germline. Not counted in ClinVar's aggregate classification.
Comment: The ACTC1 c.301G>A; p.Glu101Lys variant (rs193922680, ClinVar Variation ID: 18331), also known as Glu99Lys in the literature, is reported in multiple individuals with hypertrophic cardiomyopathy or left ventricular noncompaction and segregated with disease in several families (Arad 2005, Hathaway 2021, Klaassen 2008, Li 2019, Mazzarotto 2021, Monserrat 2007, Olson 2000, Probst 2011, van Lint 2019, Walsh 2017). In vitro functional analyses of the protein encoded by ACTC1 harboring this variant demonstrate altered activity, and a mouse model with this variant develops cardiomyopathy and has a reduced lifespan (Bookwalter 2006, Debold 2010, Song 2011). This variant is only observed on one allele in the Genome Aggregation Database (v2.1.1), indicating it is not a common polymorphism. Computational analyses predict that this variant is deleterious (REVEL: 0.873). Based on available information, this variant is considered to be pathogenic. References: Arad M. Gene mutations in apical hypertrophic cardiomyopathy. Circulation. 2005 Nov 1;112(18):2805-11. PMID: 16267253. Bookwalter CS et al. Functional consequences of a mutation in an expressed human alpha-cardiac actin at a site implicated in familial hypertrophic cardiomyopathy. J Biol Chem. 2006 Jun 16;281(24):16777-84. PMID: 16611632. Debold EP et al. Human actin mutations associated with hypertrophic and dilated cardiomyopathies demonstrate distinct thin filament regulatory properties in vitro. J Mol Cell Cardiol. 2010 Feb;48(2):286-92. PMID: 19799913. Hathaway J et al. Diagnostic yield of genetic testing in a heterogeneous cohort of 1376 HCM patients. BMC Cardiovasc Disord. 2021 Mar 5;21(1):126. PMID: 33673806. Klaassen S et al. Mutations in sarcomere protein genes in left ventricular noncompaction. Circulation. 2008 Jun 3;117(22):2893-901. PMID: 18506004. Li S et al. Clinical implications of sarcomere and nonsarcomere gene variants in patients with left ventricular noncompaction cardiomyopathy. Mol Genet Genomic Med. 2019 Sep;7(9):e874. PMID: 31397097. Mazzarotto F et al. Systematic large-scale assessment of the genetic architecture of left ventricular noncompaction reveals diverse etiologies. Genet Med. 2021 May;23(5):856-864. PMID: 33500567. Monserrat L et al. Mutation in the alpha-cardiac actin gene associated with apical hypertrophic cardiomyopathy, left ventricular non-compaction, and septal defects. Eur Heart J. 2007 Aug;28(16):1953-61. PMID: 17611253. Olson TM et al. Inherited and de novo mutations in the cardiac actin gene cause hypertrophic cardiomyopathy. J Mol Cell Cardiol. 2000 Sep;32(9):1687-94. PMID: 10966831. Probst S et al. Sarcomere gene mutations in isolated left ventricular noncompaction cardiomyopathy do not predict clinical phenotype. Circ Cardiovasc Genet. 2011 Aug 1;4(4):367-74. PMID: 21551322. Song W et al. Molecular mechanism of the E99K mutation in cardiac actin (ACTC Gene) that causes apical hypertrophy in man and mouse. J Biol Chem. 2011 Aug 5;286(31):27582-93. PMID: 21622575. van Lint FHM et al. Large next-generation sequencing gene panels in genetic heart disease: yield of pathogenic variants and variants of unknown significance. Neth Heart J. 2019 Jun;27(6):304-309. PMID: 30847666. Walsh R et al. Reassessment of Mendelian gene pathogenicity using 7,855 cardiomyopathy cases and 60,706 reference samples. Genet Med. 2017 Feb;19(2):192-203. PMID: 27532257.

Pediatrics/Division of Genetics and Metabolism, University of Kentucky
Classification: Pathogenic for Dilated cardiomyopathy 1R. Last evaluated: 2024-12-19. Review status: criteria provided, single submitter. Criteria: Tavtigian et al. (Hum Mutat. 2020). Collection method: clinical testing, in vivo. Allele origin: unknown, not applicable. Affected: yes. Observed: 1 variant allele. Functional consequence: functionally_abnormal. Not counted in ClinVar's aggregate classification.
Comment: The NM_005159.4 c.301G>A (p.Glu101Lys) is a missense variant. This variant is located in a mutational hot spot region (PM1). Missense variants are a common disease mechanism for this gene (PP2), and multiple lines of computational evidence support a deleterious effect (PP3). The variant has been previously reported as pathogenic (clinVar id# 18331). In the crystal structure of the actin monomer, this substitution is located on the surface of Sub-domain 1. The charge reversal caused by Glu101Lys substitution could destabilize the N-terminal domain of the ACTC1. Alternatively, the charge reversal could affect ACTC1 interactions with partner proteins. In summary, this variant meets the criteria to be classified as pathogenic based on the ACMG/AMP criteria applied.

3billion
Classification: Pathogenic for Hypertrophic cardiomyopathy 11. Last evaluated: 2024-11-26. Review status: criteria provided, single submitter. Criteria: ACMG Guidelines, 2015. Collection method: clinical testing. Allele origin: germline. Affected: yes. Not counted in ClinVar's aggregate classification.
Comment: The variant is observed at an extremely low frequency in the gnomAD v4.1.0 dataset (total allele frequency: <0.001%). Predicted Consequence/Location: Missense variant In silico tool predictions suggest damaging effect of the variant on gene or gene product [REVEL: 0.87 (>=0.6, sensitivity 0.68 and specificity 0.92); 3Cnet: 0.99 (>=0.6, sensitivity 0.72 and precision 0.9)]. The same nucleotide change resulting in the same amino acid change has been previously reported as pathogenic/likely pathogenic with strong evidence (ClinVar ID: VCV000018331 /PMID: 10966831 /3billion dataset). The variant has been observed in multiple (>3) similarly affected unrelated individuals (PMID: 16267253, 18506004, 21551322, 26061005, 26715934, 27532257, 30847666, 31397097, 33500567, 33673806, 34540771). Therefore, this variant is classified as Pathogenic according to the recommendation of ACMG/AMP guideline.

Ambry Genetics
Classification: Pathogenic for Cardiovascular phenotype. Last evaluated: 2023-11-15. Review status: criteria provided, single submitter. Criteria: Ambry Variant Classification Scheme 2023. Collection method: clinical testing. Allele origin: germline. Not counted in ClinVar's aggregate classification.
Comment: The p.E101K pathogenic mutation (also known as c.301G>A), located in coding exon 2 of the ACTC1 gene, results from a G to A substitution at nucleotide position 301. The glutamic acid at codon 101 is replaced by lysine, an amino acid with similar properties. This mutation (also referred to as E99K in the literature) was first reported in a family with hypertrophic cardiomyopathy (HCM) in which seven affected individuals were found to be carriers (Olson TM et al. J. Mol. Cell. Cardiol., 2000 Sep;32:1687-94). This mutation was subsequently reported to segregate with disease in several additional families with HCM or left ventricular non-compaction (LVNC) (Arad M et al. Circulation, 2005 Nov;112:2805-11; Monserrat L et al. Eur. Heart J., 2007 Aug;28:1953-61; Klaassen S et al. Circulation, 2008 Jun;117:2893-901). Functional studies have reported this mutation to result in slower motility, reduced average force, and a weakened interaction with cardiac myosin in the presence of ATP (Bookwalter CS et al. J. Biol. Chem., 2006 Jun;281:16777-84). In addition, transgenic mice expressing p.E101K were reported to have similar features of HCM as those seen in patients with this mutation (Song W et al. J. Biol. Chem., 2011 Aug;286:27582-93). This variant is considered to be rare based on population cohorts in the Genome Aggregation Database (gnomAD). In addition, this alteration is predicted to be deleterious by BayesDel in silico analysis. Based on the supporting evidence, this alteration is interpreted as a disease-causing mutation.

Clinical Genetics Laboratory, Skane University Hospital Lund
Classification: Pathogenic. Last evaluated: 2023-10-18. Review status: criteria provided, single submitter. Criteria: ACMG Guidelines, 2015. Collection method: clinical testing. Allele origin: germline. Affected: yes. Not counted in ClinVar's aggregate classification.

CeGaT Center for Human Genetics Tuebingen
Classification: Pathogenic. Last evaluated: 2023-04-01. Review status: criteria provided, single submitter. Criteria: CeGaT Center For Human Genetics Tuebingen Variant Classification Criteria Version 2. Collection method: clinical testing. Allele origin: germline. Affected: yes. Observed: 1 variant allele. Not counted in ClinVar's aggregate classification.
Comment: ACTC1: PP1:Strong, PM2, PS4:Moderate, PP2, PP3, PS3:Supporting

GeneDx
Classification: Pathogenic. Last evaluated: 2022-08-17. Review status: criteria provided, single submitter. Criteria: GeneDx Variant Classification Process June 2021. Collection method: clinical testing. Allele origin: germline. Affected: yes. Not counted in ClinVar's aggregate classification.
Comment: Not observed at significant frequency in large population cohorts (gnomAD); Published functional studies demonstrate a damaging effect resulting in a decrease in sarcomeric force generation (Bookwater et al., 2006; Monserrat et al., 2007; Chow et al., 2014); In silico analysis supports that this missense variant has a deleterious effect on protein structure/function; This variant is associated with the following publications: (PMID: 19799913, 21622575, 16267253, 30392975, 30847666, 24736382, 17611253, 16611632, 24510615, 26715934, 21551322, 27532257, 18506004, 26109583, 31397097, 31481237, 26061005, 10966831, 34540771, 33500567, 33673806)

Fulgent Genetics
Classification: Pathogenic for Hypertrophic cardiomyopathy 11; Atrial septal defect 5; Dilated cardiomyopathy 1R. Last evaluated: 2021-07-27. Review status: criteria provided, single submitter. Criteria: ACMG Guidelines, 2015. Collection method: clinical testing. Allele origin: unknown. Not counted in ClinVar's aggregate classification.

Clinical Genetics Laboratory, Region Ostergotland
Classification: Likely pathogenic for Dilated cardiomyopathy 1R. Last evaluated: 2020-08-19. Review status: criteria provided, single submitter. Criteria: ACMG Guidelines, 2015. Collection method: clinical testing. Allele origin: germline. Affected: yes. Not counted in ClinVar's aggregate classification.
Comment: PS4, PM2, PP1, PP3, PP5